The following is an entry in ClinVar:

ClinVar aggregate classification (germline): Uncertain significance (1 of 4 stars; one submission).

Conditions:
TH-deficient dopa-responsive dystonia. Also called: Tyrosine Hydroxylase-Deficient Dopa-Responsive Dystonia; Segawa syndrome, autosomal recessive; DYT-TH. Identifiers: Orphanet 101150, MedGen C2673535, MONDO:0011551, OMIM 605407.

Allele frequency attached by ClinVar (database versions not stated): gnomAD exomes below 0.00001 and 0.00001; TOPMed 0.00001.

Submission:

Labcorp Genetics (formerly Invitae), Labcorp
Classification: Uncertain significance for TH-deficient dopa-responsive dystonia. Last evaluated: 2025-08-26. Review status: criteria provided, single submitter. Criteria: Invitae Variant Classification Sherloc (09022015). Collection method: clinical testing. Allele origin: germline.
Comment: This sequence change replaces phenylalanine, which is neutral and non-polar, with serine, which is neutral and polar, at codon 162 of the TH protein (p.Phe162Ser). This variant is present in population databases (no rsID available, gnomAD 0.009%). This variant has not been reported in the literature in individuals affected with TH-related conditions. ClinVar contains an entry for this variant (Variation ID: 1386667). Invitae Evidence Modeling of protein sequence and biophysical properties (such as structural, functional, and spatial information, amino acid conservation, physicochemical variation, residue mobility, and thermodynamic stability) indicates that this missense variant is expected to disrupt TH protein function with a positive predictive value of 95%. In summary, the available evidence is currently insufficient to determine the role of this variant in disease. Therefore, it has been classified as a Variant of Uncertain Significance.

NM_000360.4(TH):c.392T>C (p.Phe131Ser)

Gene: TH (tyrosine hydroxylase; minus strand). Cytogenetic location: 11p15.5.
Variant type: single nucleotide variant.
Coding change: c.392T>C on transcript NM_000360.4 (MANE Select); coding-DNA position 392, T replaced by C.
Protein change: p.Phe131Ser; replaces phenylalanine 131 with serine.
Molecular consequence: missense variant.
Genome position (GRCh38, 1-based): chr11:2,168,586, A>G on the plus strand (T>C on the coding strand, the complement: TH is on the minus strand). VCF-style: chr11-2168586-A-G. GRCh37 (hg19) VCF-style: chr11-2189816-A-G.
Other names: c.485T>C, p.Phe162Ser (NM_199292.3); c.473T>C, p.Phe158Ser (NM_199293.3); short protein forms F162S, F131S, F158S.
Identifiers: ClinVar variation 1386667 (VCV001386667.4), dbSNP rs958536401, ClinGen allele CA216287672.